The following is an entry in ClinVar:

ClinVar aggregate classification (germline): Uncertain significance (1 of 4 stars; one submission).

Allele frequency attached by ClinVar (database versions not stated): gnomAD exomes below 0.00001; TOPMed below 0.00001.
gnomAD v4.1: 4 of 1,611,992 alleles (0.00025%); highest among the groups gnomAD compares: African/African-American, 0.004%; no homozygotes.

Submission:

Labcorp Genetics (formerly Invitae), Labcorp
Classification: Uncertain significance. Last evaluated: 2022-06-28. Review status: criteria provided, single submitter. Criteria: Invitae Variant Classification Sherloc (09022015). Collection method: clinical testing. Allele origin: germline.
Comment: This variant has not been reported in the literature in individuals affected with MYO3A-related conditions. In summary, the available evidence is currently insufficient to determine the role of this variant in disease. Therefore, it has been classified as a Variant of Uncertain Significance. Variants that disrupt the consensus splice site are a relatively common cause of aberrant splicing (PMID: 17576681, 9536098). Algorithms developed to predict the effect of sequence changes on RNA splicing suggest that this variant is not likely to affect RNA splicing. This variant is not present in population databases (gnomAD no frequency). This sequence change falls in intron 8 of the MYO3A gene. It does not directly change the encoded amino acid sequence of the MYO3A protein. It affects a nucleotide within the consensus splice site.

Literature cited by the submitters: PubMed 17576681; PubMed 9536098.

NM_017433.5(MYO3A):c.732-3T>C

Gene: MYO3A (myosin IIIA; plus strand). Cytogenetic location: 10p12.1.
Variant type: single nucleotide variant.
Coding change: c.732-3T>C on transcript NM_017433.5 (MANE Select); 3 bases into the intron before coding-DNA position 732, T replaced by C.
Molecular consequence: intron variant.
Genome position (GRCh38, 1-based): chr10:26,024,019, T>C. VCF-style: chr10-26024019-T-C. GRCh37 (hg19) VCF-style: chr10-26312948-T-C.
Identifiers: ClinVar variation 1362195 (VCV001362195.6), dbSNP rs201712584, ClinGen allele CA204357195.